The following is an entry in ClinVar:

ClinVar aggregate classification (germline): Uncertain significance (1 of 4 stars; one submission).

Conditions:
Cardiovascular phenotype. Identifiers: MedGen CN230736.

gnomAD v4.1: 1 of 1,614,050 alleles (0.000062%); highest among the groups gnomAD compares: Non-Finnish European, 0.000085%; no homozygotes.

Submission:

Ambry Genetics
Classification: Uncertain significance for Cardiovascular phenotype. Last evaluated: 2024-06-20. Review status: criteria provided, single submitter. Criteria: Ambry Variant Classification Scheme 2023. Collection method: clinical testing. Allele origin: germline.
Comment: The p.D660Y variant (also known as c.1978G>T), located in coding exon 11 of the LDB3 gene, results from a G to T substitution at nucleotide position 1978. The amino acid change results in aspartic acid to tyrosine at codon 660, an amino acid with highly dissimilar properties. However, this change occurs in the last base pair of coding exon 11, which makes it likely to have some effect on normal mRNA splicing. This variant has been reported in a left ventricular non-compaction (LVNC) (Miszalski-Jamka K et al. Circ Cardiovasc Genet, 2017 Aug;10:). This nucleotide position is highly conserved in available vertebrate species. This amino acid position is highly conserved in available vertebrate species. In silico splice site analysis predicts that this alteration will not have any significant effect on splicing. In addition, this alteration is predicted to be deleterious by in silico analysis. Based on the available evidence, the clinical significance of this variant remains unclear.

Literature cited by the submitters: PubMed 28798025.

NM_007078.3(LDB3):c.1978G>T (p.Asp660Tyr)

Gene: LDB3 (LIM domain binding 3; plus strand). Cytogenetic location: 10q23.2.
Variant type: single nucleotide variant.
Coding change: c.1978G>T on transcript NM_007078.3 (MANE Select); coding-DNA position 1978, G replaced by T.
Protein change: p.Asp660Tyr; replaces aspartic acid 660 with tyrosine.
Molecular consequence: missense variant.
Genome position (GRCh38, 1-based): chr10:86,718,847, G>T. VCF-style: chr10-86718847-G-T. GRCh37 (hg19) VCF-style: chr10-88478604-G-T.
Other names: c.1648G>T, p.Asp550Tyr (NM_001080114.2); c.1993G>T, p.Asp665Tyr (NM_001171610.2); c.1789G>T, p.Asp597Tyr (NM_001368064.1, NM_001368065.1); c.1837G>T, p.Asp613Tyr (NM_001368066.1); short protein forms D613Y, D597Y, D665Y, D550Y, D660Y.
Identifiers: ClinVar variation 3290356 (VCV003290356.1).